The following is an entry in ClinVar:

ClinVar aggregate classification (germline): Uncertain significance (1 of 4 stars; one submission).

Allele frequency attached by ClinVar (database versions not stated): gnomAD exomes below 0.00001.
gnomAD v4.1: 1 of 1,609,730 alleles (0.000062%); highest among the groups gnomAD compares: Non-Finnish European, 0.000085%; no homozygotes.

Submission:

Labcorp Genetics (formerly Invitae), Labcorp
Classification: Uncertain significance. Last evaluated: 2021-12-08. Review status: criteria provided, single submitter. Criteria: Invitae Variant Classification Sherloc (09022015). Collection method: clinical testing. Allele origin: germline.
Comment: Algorithms developed to predict the effect of missense changes on protein structure and function are either unavailable or do not agree on the potential impact of this missense change (SIFT: "Not Available"; PolyPhen-2: "Probably Damaging"; Align-GVGD: "Not Available"). This sequence change replaces glutamine, which is neutral and polar, with arginine, which is basic and polar, at codon 231 of the JAK1 protein (p.Gln231Arg). This variant is not present in population databases (gnomAD no frequency). This variant has not been reported in the literature in individuals affected with JAK1-related conditions. In summary, the available evidence is currently insufficient to determine the role of this variant in disease. Therefore, it has been classified as a Variant of Uncertain Significance.

NM_002227.4(JAK1):c.692A>G (p.Gln231Arg)

Gene: JAK1 (Janus kinase 1; minus strand). Cytogenetic location: 1p31.3.
Variant type: single nucleotide variant.
Coding change: c.692A>G on transcript NM_002227.4 (MANE Select); coding-DNA position 692, A replaced by G.
Protein change: p.Gln231Arg; replaces glutamine 231 with arginine.
Molecular consequence: missense variant.
Genome position (GRCh38, 1-based): chr1:64,867,164, T>C on the plus strand (A>G on the coding strand, the complement: JAK1 is on the minus strand). VCF-style: chr1-64867164-T-C. GRCh37 (hg19) VCF-style: chr1-65332847-T-C.
Other names: c.692A>G, p.Gln231Arg (NM_001320923.2, NM_001321852.2, NM_001321853.2 and 4 more transcripts); short protein forms Q231R.
Identifiers: ClinVar variation 2038258 (VCV002038258.4), dbSNP rs2524256899, ClinGen allele CA340676145.
Genomic context (GRCh38, chr1:64,867,164, plus strand): 5'-AATTCCTTTAGGAAATCCTTGAAAACATTATTTATCCGCATCCTGGTGAGAAGGTTCCTC[T>C]GTCTGATGGACTTATTCAATGTTTCTGGAATATATCGCTTGTAGCTAAAAGACAGTAGAA-3'
Protein context (NP_002218.2, residues 221-241): IPETLNKSIR[Gln231Arg]RNLLTRMRIN